The following is an entry in ClinVar:

ClinVar aggregate classification (germline): Uncertain significance. Review status: criteria provided, multiple submitters, no conflicts (2 of 4 stars). 2 submissions from 2 submitters: Uncertain significance (2). Last evaluated 2024-07-03.

Allele frequency attached by ClinVar (database versions not stated): ExAC 0.00003; gnomAD 0.00006 and 0.00008; TOPMed 0.00011; ESP Exome Variant Server 0.00015.
gnomAD v4.1: 46 of 1,605,026 alleles (0.0029%); highest among the groups gnomAD compares: African/African-American, 0.023%; no homozygotes.

Submissions (2):

Mayo Clinic Laboratories, Mayo Clinic
Classification: Uncertain significance. Last evaluated: 2024-07-03. Review status: criteria provided, single submitter. Criteria: ACMG Guidelines, 2015. Collection method: clinical testing. Allele origin: germline. Observed: 1 variant allele.

Labcorp Genetics (formerly Invitae), Labcorp
Classification: Uncertain significance. Last evaluated: 2021-09-14. Review status: criteria provided, single submitter. Criteria: Invitae Variant Classification Sherloc (09022015). Collection method: clinical testing. Allele origin: germline.
Comment: This sequence change replaces valine with methionine at codon 94 of the SPARC protein (p.Val94Met). The valine residue is highly conserved and there is a small physicochemical difference between valine and methionine. This variant is present in population databases (rs142207246, ExAC 0.01%). This variant has not been reported in the literature in individuals affected with SPARC-related conditions. Algorithms developed to predict the effect of missense changes on protein structure and function are either unavailable or do not agree on the potential impact of this missense change (SIFT: "Deleterious"; PolyPhen-2: "Probably Damaging"; Align-GVGD: "Class C0"). In summary, the available evidence is currently insufficient to determine the role of this variant in disease. Therefore, it has been classified as a Variant of Uncertain Significance.

Literature cited by the submitters: PubMed 37895187 (cited by Mayo Clinic Laboratories, Mayo Clinic).

NM_003118.4(SPARC):c.280G>A (p.Val94Met)

Gene: SPARC (secreted protein acidic and cysteine rich; minus strand). Cytogenetic location: 5q33.1.
Variant type: single nucleotide variant.
Coding change: c.280G>A on transcript NM_003118.4 (MANE Select); coding-DNA position 280, G replaced by A.
Protein change: p.Val94Met; replaces valine 94 with methionine.
Molecular consequence: missense variant.
Genome position (GRCh38, 1-based): chr5:151,671,623, C>T on the plus strand (G>A on the coding strand, the complement: SPARC is on the minus strand). VCF-style: chr5-151671623-C-T. GRCh37 (hg19) VCF-style: chr5-151051184-C-T.
Other names: p.Val94Met; c.277G>A, p.Val93Met (NM_001309443.2); c.280G>A, p.Val94Met (NM_001309444.2); short protein forms V94M, V93M.
Identifiers: ClinVar variation 1431551 (VCV001431551.4), dbSNP rs142207246, ClinGen allele CA3522753.